The following is an entry in ClinVar:

NM_001006658.3(CR2):c.980T>C (p.Val327Ala)

Genes: CR2 (complement C3d receptor 2; plus strand), LOC126805994 (BRD4-independent group 4 enhancer GRCh37_chr1:207642622-207643821; plus strand). Cytogenetic location: 1q32.2.
Variant type: single nucleotide variant.
Coding change: c.980T>C on transcript NM_001006658.3 (MANE Select); coding-DNA position 980, T replaced by C.
Protein change: p.Val327Ala; replaces valine 327 with alanine.
Molecular consequence: missense variant.
Genome position (GRCh38, 1-based): chr1:207,469,857, T>C. VCF-style: chr1-207469857-T-C. GRCh37 (hg19) VCF-style: chr1-207643202-T-C.
Other names: c.980T>C, p.Val327Ala (NM_001877.5); short protein forms V327A.
Identifiers: ClinVar variation 1349142 (VCV001349142.4), dbSNP rs778207648, ClinGen allele CA1368597.

ClinVar aggregate classification (germline): Uncertain significance (1 of 4 stars; one submission).

Conditions:
Immunodeficiency, common variable, 7. Identifiers: Orphanet 1572, Orphanet 696894, MedGen C3542922, MONDO:0013862, OMIM 614699.

Allele frequency attached by ClinVar (database versions not stated): TOPMed 0.00002; gnomAD exomes 0.00005 and 0.00003; ExAC 0.00001; gnomAD 0.00001.
gnomAD v4.1: 70 of 1,613,800 alleles (0.0043%); highest among the groups gnomAD compares: Non-Finnish European, 0.0058%; no homozygotes.

Submission:

Labcorp Genetics (formerly Invitae), Labcorp
Classification: Uncertain significance for Immunodeficiency, common variable, 7. Last evaluated: 2022-05-14. Review status: criteria provided, single submitter. Criteria: Invitae Variant Classification Sherloc (09022015). Collection method: clinical testing. Allele origin: germline.
Comment: This sequence change replaces valine, which is neutral and non-polar, with alanine, which is neutral and non-polar, at codon 327 of the CR2 protein (p.Val327Ala). This variant is present in population databases (rs778207648, gnomAD 0.006%). This variant has not been reported in the literature in individuals affected with CR2-related conditions. Algorithms developed to predict the effect of missense changes on protein structure and function output the following: SIFT: "Tolerated"; PolyPhen-2: "Benign"; Align-GVGD: "Class C0". The alanine amino acid residue is found in multiple mammalian species, which suggests that this missense change does not adversely affect protein function. In summary, the available evidence is currently insufficient to determine the role of this variant in disease. Therefore, it has been classified as a Variant of Uncertain Significance.